The following is an entry in ClinVar:

NM_001242896.3(DEPDC5):c.1124A>G (p.His375Arg)

Gene: DEPDC5 (DEP domain containing 5, GATOR1 subcomplex subunit; plus strand). Cytogenetic location: 22q12.3.
Variant type: single nucleotide variant.
Coding change: c.1124A>G on transcript NM_001242896.3 (MANE Select); coding-DNA position 1124, A replaced by G.
Protein change: p.His375Arg; replaces histidine 375 with arginine.
Molecular consequence: missense variant. On other transcripts: non-coding transcript variant (5).
Genome position (GRCh38, 1-based): chr22:31,804,204, A>G. VCF-style: chr22-31804204-A-G. GRCh37 (hg19) VCF-style: chr22-32200190-A-G.
Other names: c.1124A>G, p.His375Arg (NM_001369903.1, NM_014662.6, NM_001363854.2 and 7 more transcripts); c.1040A>G, p.His347Arg (NM_001369901.1, NM_001369902.1); short protein forms H347R, H375R.
Identifiers: ClinVar variation 1061344 (VCV001061344.10), dbSNP rs748422973, ClinGen allele CA10196237.

ClinVar aggregate classification (germline): Uncertain significance. Review status: criteria provided, multiple submitters, no conflicts (2 of 4 stars). 2 submissions from 2 submitters: Uncertain significance (2). Last evaluated 2022-06-13.

Conditions:
Familial focal epilepsy with variable foci (FPEVF). Identifiers: Orphanet 98820, MedGen C1858477, MONDO:0020310.

Allele frequency attached by ClinVar (database versions not stated): gnomAD exomes below 0.00001; ExAC 0.00001.

Submissions (2):

Labcorp Genetics (formerly Invitae), Labcorp
Classification: Uncertain significance for Familial focal epilepsy with variable foci. Last evaluated: 2022-06-13. Review status: criteria provided, single submitter. Criteria: Invitae Variant Classification Sherloc (09022015). Collection method: clinical testing. Allele origin: germline.
Comment: In summary, the available evidence is currently insufficient to determine the role of this variant in disease. Therefore, it has been classified as a Variant of Uncertain Significance. Algorithms developed to predict the effect of missense changes on protein structure and function are either unavailable or do not agree on the potential impact of this missense change (SIFT: "Deleterious"; PolyPhen-2: "Not Available"; Align-GVGD: "Class C25"). ClinVar contains an entry for this variant (Variation ID: 1061344). This variant has not been reported in the literature in individuals affected with DEPDC5-related conditions. This variant is present in population databases (rs748422973, gnomAD 0.0009%). This sequence change replaces histidine, which is basic and polar, with arginine, which is basic and polar, at codon 375 of the DEPDC5 protein (p.His375Arg).

GeneDx
Classification: Uncertain significance. Last evaluated: 2022-06-06. Review status: criteria provided, single submitter. Criteria: GeneDx Variant Classification Process June 2021. Collection method: clinical testing. Allele origin: germline. Affected: yes.
Comment: Not observed at significant frequency in large population cohorts (gnomAD); In silico analysis supports that this missense variant has a deleterious effect on protein structure/function; Has not been previously published as pathogenic or benign to our knowledge